The following is an entry in ClinVar:

NM_001367868.2(PLIN4):c.2242A>G (p.Ile748Val)

Gene: PLIN4 (perilipin 4; minus strand). Cytogenetic location: 19p13.3.
Variant type: single nucleotide variant.
Coding change: c.2242A>G on transcript NM_001367868.2 (MANE Select); coding-DNA position 2242, A replaced by G.
Protein change: p.Ile748Val; replaces isoleucine 748 with valine.
Molecular consequence: missense variant.
Genome position (GRCh38, 1-based): chr19:4,511,718, T>C on the plus strand (A>G on the coding strand, the complement: PLIN4 is on the minus strand). VCF-style: chr19-4511718-T-C. GRCh37 (hg19) VCF-style: chr19-4511730-T-C.
Other names: short protein forms I748V.
Identifiers: ClinVar variation 403327 (VCV000403327.5), dbSNP rs62115190, ClinGen allele CA9100266.

ClinVar aggregate classification (germline): Benign. Review status: criteria provided, multiple submitters, no conflicts (2 of 4 stars). 2 submissions from 2 submitters: Benign (2). Last evaluated 2016-03-28.

Allele frequency attached by ClinVar (database versions not stated): gnomAD 0.69725; gnomAD exomes 0.83331; 1000 Genomes Project 0.84225.

Submissions (2):

Laboratory for Molecular Medicine, Mass General Brigham Personalized Medicine
Classification: Benign. Last evaluated: 2016-03-28. Review status: criteria provided, single submitter. Criteria: LMM Criteria. Collection method: clinical testing. Allele origin: germline.
Comment: Variant identified in a genome or exome case(s) and assessed due to predicted null impact of the variant or pathogenic assertions in the literature or databases. Disclaimer: This variant has not undergone full assessment. The following are preliminary notes: Frequency

Breakthrough Genomics
Classification: Benign. Review status: criteria provided, single submitter. Criteria: ACMG Guidelines, 2015. Collection method: not provided. Allele origin: germline. Inheritance: Unknown mechanism. Affected: yes.